The following is an entry in ClinVar:

ClinVar aggregate classification (germline): Uncertain significance (1 of 4 stars; one submission).

Submission:

Labcorp Genetics (formerly Invitae), Labcorp
Classification: Uncertain significance. Last evaluated: 2024-07-30. Review status: criteria provided, single submitter. Criteria: Invitae Variant Classification Sherloc (09022015). Collection method: clinical testing. Allele origin: germline.
Comment: This sequence change replaces methionine, which is neutral and non-polar, with leucine, which is neutral and non-polar, at codon 1739 of the FLNB protein (p.Met1739Leu). This variant is not present in population databases (gnomAD no frequency). This variant has not been reported in the literature in individuals affected with FLNB-related conditions. Advanced modeling of protein sequence and biophysical properties (such as structural, functional, and spatial information, amino acid conservation, physicochemical variation, residue mobility, and thermodynamic stability) performed at Invitae indicates that this missense variant is not expected to disrupt FLNB protein function with a negative predictive value of 95%. In summary, the available evidence is currently insufficient to determine the role of this variant in disease. Therefore, it has been classified as a Variant of Uncertain Significance.

NM_001457.4(FLNB):c.5215A>C (p.Met1739Leu)

Gene: FLNB (filamin B; plus strand). Cytogenetic location: 3p14.3.
Variant type: single nucleotide variant.
Coding change: c.5215A>C on transcript NM_001457.4 (MANE Select); coding-DNA position 5215, A replaced by C.
Protein change: p.Met1739Leu; replaces methionine 1739 with leucine.
Molecular consequence: missense variant.
Genome position (GRCh38, 1-based): chr3:58,142,683, A>C. VCF-style: chr3-58142683-A-C. GRCh37 (hg19) VCF-style: chr3-58128410-A-C.
Other names: c.5308A>C, p.Met1770Leu (NM_001164317.2); c.5182A>C, p.Met1728Leu (NM_001164318.2); c.5143A>C, p.Met1715Leu (NM_001164319.2); short protein forms M1770L, M1715L, M1728L, M1739L.
Identifiers: ClinVar variation 3635737 (VCV003635737.2).
Genomic context (GRCh38, chr3:58,142,683, plus strand): 5'-CCAGTGACCACTGCCTTCTGTTTTTAGGTGACCGAAGAGGCCTATGTCCCAGTGAGTGAC[A>C]TGAACGGCCTGGGATTTAAGCCTTTTGACCTGGTCATTCCGTTTGCTGTCAGGAAAGGAG-3'
Protein context (NP_001448.2, residues 1729-1749): TEEAYVPVSD[Met1739Leu]NGLGFKPFDL